The following is an entry in ClinVar:

NM_001272046.2(VWA2):c.1365A>C (p.Ser455=)

Genes: AFAP1L2 (actin filament associated protein 1 like 2; minus strand), VWA2 (von Willebrand factor A domain containing 2; plus strand). Cytogenetic location: 10q25.3.
Variant type: single nucleotide variant.
Coding change: c.1365A>C on transcript NM_001272046.2 (MANE Select); coding-DNA position 1365, A replaced by C.
Protein change: p.Ser455=; no amino-acid change (serine 455 retained).
Molecular consequence: synonymous variant.
Genome position (GRCh38, 1-based): chr10:114,286,306, A>C. VCF-style: chr10-114286306-A-C. GRCh37 (hg19) VCF-style: chr10-116046065-A-C.
Other names: c.1365A>C, p.Ser455= (NM_001320804.1).
Identifiers: ClinVar variation 3036976 (VCV003036976.2), dbSNP rs750963614, ClinGen allele CA5700673.

ClinVar aggregate classification (germline): Likely benign (0 of 4 stars; one submission).

Conditions:
VWA2-related disorder. Also called: VWA2-related condition.

Allele frequency attached by ClinVar (database versions not stated): gnomAD 0.00004; gnomAD exomes 0.00014; ExAC 0.00023.
gnomAD v4.1: 89 of 1,611,362 alleles (0.0055%); highest among the groups gnomAD compares: Admixed American, 0.15%; no homozygotes.

Submission:

PreventionGenetics, part of Exact Sciences
Classification: Likely benign for VWA2-related condition. Last evaluated: 2023-01-23. Review status: no assertion criteria provided. Collection method: clinical testing. Allele origin: germline.
Comment: This variant is classified as likely benign based on ACMG/AMP sequence variant interpretation guidelines (Richards et al. 2015 PMID: 25741868, with internal and published modifications).